The following is an entry in ClinVar:

ClinVar aggregate classification (germline): Likely pathogenic. Review status: criteria provided, multiple submitters, no conflicts (2 of 4 stars). 3 submissions from 3 submitters: Likely pathogenic (3). Last evaluated 2023-06-23.

Conditions:
Polycystic kidney disease 4 (PKD4). Also called: Autosomal Recessive Polycystic Kidney Disease – PKHD1; POLYCYSTIC KIDNEY AND HEPATIC DISEASE 1; POLYCYSTIC KIDNEY DISEASE, INFANTILE, TYPE I; POLYCYSTIC KIDNEY DISEASE 4 WITH OR WITHOUT POLYCYSTIC LIVER DISEASE; PKD3. Identifiers: MedGen C4540575, MONDO:0033004, OMIM 263200.
Autosomal recessive polycystic kidney disease (ARPKD). Also called: AR polycystic kidney disease. Identifiers: Orphanet 731, Orphanet 8378, MedGen C0085548, MeSH D017044, MONDO:0009889.
PKHD1-related disorder. Also called: PKHD1-related condition.

gnomAD v4.1: 2 of 1,611,652 alleles (0.00012%); highest among the groups gnomAD compares: South Asian, 0.0022%; no homozygotes.

Submissions (3):

Revvity Omics, Revvity
Classification: Likely pathogenic for Polycystic kidney disease 4. Last evaluated: 2023-06-23. Review status: criteria provided, single submitter. Criteria: ACMG Guidelines, 2015. Collection method: clinical testing. Allele origin: germline.

Blueprint Genetics
Classification: Likely pathogenic for PKHD1-related disorders. Last evaluated: 2023-05-16. Review status: criteria provided, single submitter. Criteria: ACMG Guidelines, 2015. Collection method: clinical testing. Allele origin: germline. Affected: yes. Observed: 3 variant alleles.

Labcorp Genetics (formerly Invitae), Labcorp
Classification: Likely pathogenic for Autosomal recessive polycystic kidney disease. Last evaluated: 2021-06-16. Review status: criteria provided, single submitter. Criteria: Invitae Variant Classification Sherloc (09022015). Collection method: clinical testing. Allele origin: germline.
Comment: This variant is not present in population databases (ExAC no frequency). This sequence change affects an acceptor splice site in intron 59 of the PKHD1 gene. It is expected to disrupt RNA splicing. Variants that disrupt the donor or acceptor splice site typically lead to a loss of protein function (PMID: 16199547), and loss-of-function variants in PKHD1 are known to be pathogenic (PMID: 19940839). In summary, the currently available evidence indicates that the variant is pathogenic, but additional data are needed to prove that conclusively. Therefore, this variant has been classified as Likely Pathogenic. Algorithms developed to predict the effect of sequence changes on RNA splicing suggest that this variant may disrupt the consensus splice site, but this prediction has not been confirmed by published transcriptional studies. This variant has not been reported in the literature in individuals with PKHD1-related conditions.

Literature cited by the submitters: PubMed 16199547 (cited by Labcorp Genetics (formerly Invitae), Labcorp); PubMed 19940839 (cited by Labcorp Genetics (formerly Invitae), Labcorp).

NM_138694.4(PKHD1):c.9999-1G>A

Gene: PKHD1 (PKHD1 ciliary IPT domain containing fibrocystin/polyductin; minus strand). Cytogenetic location: 6p12.3.
Variant type: single nucleotide variant.
Coding change: c.9999-1G>A on transcript NM_138694.4 (MANE Select); the canonical splice acceptor site of the intron before coding-DNA position 9999, G replaced by A.
Molecular consequence: splice acceptor variant.
Genome position (GRCh38, 1-based): chr6:51,744,543, C>T on the plus strand (G>A on the coding strand, the complement: PKHD1 is on the minus strand). VCF-style: chr6-51744543-C-T. GRCh37 (hg19) VCF-style: chr6-51609341-C-T.
Other names: c.9999-1G>A (NM_170724.3).
Identifiers: ClinVar variation 1498912 (VCV001498912.11), dbSNP rs2150963039, ClinGen allele CA364418776.